The following is an entry in ClinVar:

ClinVar aggregate classification (germline): Likely benign (1 of 4 stars; one submission).

Allele frequency attached by ClinVar (database versions not stated): TOPMed below 0.00001; gnomAD 0.00001; gnomAD exomes 0.00001.
gnomAD v4.1: 22 of 1,555,302 alleles (0.0014%); highest among the groups gnomAD compares: Middle Eastern, 0.017%; no homozygotes.

Submission:

CeGaT Center for Human Genetics Tuebingen
Classification: Likely benign. Last evaluated: 2023-06-01. Review status: criteria provided, single submitter. Criteria: CeGaT Center For Human Genetics Tuebingen Variant Classification Criteria Version 2. Collection method: clinical testing. Allele origin: germline. Affected: yes. Observed: 1 variant allele.
Comment: NCAPH: BP4, BP7

NM_015341.5(NCAPH):c.2073G>A (p.Thr691=)

Gene: NCAPH (non-SMC condensin I complex subunit H; plus strand). Cytogenetic location: 2q11.2.
Variant type: single nucleotide variant.
Coding change: c.2073G>A on transcript NM_015341.5 (MANE Select); coding-DNA position 2073, G replaced by A.
Protein change: p.Thr691=; no amino-acid change (threonine 691 retained).
Molecular consequence: synonymous variant.
Genome position (GRCh38, 1-based): chr2:96,369,046, G>A. VCF-style: chr2-96369046-G-A. GRCh37 (hg19) VCF-style: chr2-97034784-G-A.
Other names: c.2040G>A, p.Thr680= (NM_001281710.2); c.2001G>A, p.Thr667= (NM_001281711.2); c.1665G>A, p.Thr555= (NM_001281712.2).
Identifiers: ClinVar variation 2571081 (VCV002571081.27), dbSNP rs754175265, ClinGen allele CA1780296.